The following is an entry in ClinVar:

NM_019842.4(KCNQ5):c.1311C>T (p.Ser437=)

Gene: KCNQ5 (potassium voltage-gated channel subfamily Q member 5; plus strand). Cytogenetic location: 6q13.
Variant type: single nucleotide variant.
Coding change: c.1311C>T on transcript NM_019842.4 (MANE Select); coding-DNA position 1311, C replaced by T.
Protein change: p.Ser437=; no amino-acid change (serine 437 retained).
Molecular consequence: synonymous variant. On other transcripts: intron variant (1).
Genome position (GRCh38, 1-based): chr6:73,133,484, C>T. VCF-style: chr6-73133484-C-T. GRCh37 (hg19) VCF-style: chr6-73843207-C-T.
Other names: c.1284C>T, p.Ser428= (NM_001160130.2); c.1341C>T, p.Ser447= (NM_001160132.2); c.1368C>T, p.Ser456= (NM_001160133.2); c.1247+8972C>T (NM_001160134.2).
Identifiers: ClinVar variation 1601788 (VCV001601788.39), dbSNP rs146011748, ClinGen allele CA3887020.
Genomic context (GRCh38, chr6:73,133,484, plus strand): 5'-GAAGCTAAGTTTTAAGGAGCGAGTGCGCATGGCTAGCCCCAGGGGCCAGAGTATTAAGAG[C>T]CGACAAGCCTCAGTAGGTGACAGGAGGTCCCCAAGCACCGACATCACAGCCGAGGGCAGT-3'
Protein context (NP_062816.2, residues 427-447): MASPRGQSIK[Ser437=]RQASVGDRRS

ClinVar aggregate classification (germline): Benign. Review status: criteria provided, multiple submitters, no conflicts (2 of 4 stars). 2 submissions from 2 submitters: Benign (2). Last evaluated 2026-04-01.

Allele frequency attached by ClinVar (database versions not stated): gnomAD 0.00046 and 0.00072; TOPMed 0.00052; ESP Exome Variant Server 0.00054; gnomAD exomes 0.00103 and 0.00191; ExAC 0.00212; 1000 Genomes Project 30x 0.00219; 1000 Genomes Project 0.00240.
gnomAD v4.1: 1,648 of 1,614,114 alleles (0.1%); highest among the groups gnomAD compares: South Asian, 1%; 24 homozygotes.

Submissions (2):

CeGaT Center for Human Genetics Tuebingen
Classification: Benign. Last evaluated: 2026-04-01. Review status: criteria provided, single submitter. Criteria: CeGaT Center For Human Genetics Tuebingen Variant Classification Criteria Version 2. Collection method: clinical testing. Allele origin: germline. Affected: yes. Observed: 13 variant alleles.
Comment: KCNQ5: BP4, BS1, BS2

Labcorp Genetics (formerly Invitae), Labcorp
Classification: Benign. Last evaluated: 2026-01-26. Review status: criteria provided, single submitter. Criteria: Invitae Variant Classification Sherloc (09022015). Collection method: clinical testing. Allele origin: germline.